The following is an entry in ClinVar:

NM_004972.4(JAK2):c.1710C>T (p.Tyr570=)

Genes: INSL6 (insulin like 6; minus strand), JAK2 (Janus kinase 2; plus strand). Cytogenetic location: 9p24.1.
Variant type: single nucleotide variant.
Coding change: c.1710C>T on transcript NM_004972.4 (MANE Select); coding-DNA position 1710, C replaced by T.
Protein change: p.Tyr570=; no amino-acid change (tyrosine 570 retained).
Molecular consequence: synonymous variant. On other transcripts: non-coding transcript variant (2).
Genome position (GRCh38, 1-based): chr9:5,072,560, C>T. VCF-style: chr9-5072560-C-T. GRCh37 (hg19) VCF-style: chr9-5072560-C-T.
Other names: c.1710C>T (NM_004972.3); c.1710C>T, p.Tyr570= (NM_001322194.2, NM_001322195.2, NM_001322196.2); c.495C>T, p.Tyr165= (NM_001322198.2, NM_001322199.2); c.1263C>T, p.Tyr421= (NM_001322204.2).
Identifiers: ClinVar variation 1336050 (VCV001336050.28), dbSNP rs146433914, ClinGen allele CA4971939.

ClinVar aggregate classification (germline): Likely benign. Review status: criteria provided, multiple submitters, no conflicts (2 of 4 stars). 6 submissions from 6 submitters: Likely benign (6). Last evaluated 2026-05-01.

Conditions:
JAK2-related disorder. Also called: JAK2-related condition.

Allele frequency attached by ClinVar (database versions not stated): ESP Exome Variant Server 0.00046; ExAC 0.00047; gnomAD 0.00047 and 0.00048; gnomAD exomes 0.00049 and 0.00057; TOPMed 0.00054; 1000 Genomes Project 0.00060; 1000 Genomes Project 30x 0.00078.
gnomAD v4.1: 929 of 1,609,730 alleles (0.058%); highest among the groups gnomAD compares: Middle Eastern, 0.099%; 1 homozygote.

Submissions (6):

CeGaT Center for Human Genetics Tuebingen
Classification: Likely benign. Last evaluated: 2026-05-01. Review status: criteria provided, single submitter. Criteria: CeGaT Center For Human Genetics Tuebingen Variant Classification Criteria Version 2. Collection method: clinical testing. Allele origin: germline. Affected: yes. Observed: 2 variant alleles.
Comment: JAK2: BP4, BP7

Labcorp Genetics (formerly Invitae), Labcorp
Classification: Likely benign. Last evaluated: 2026-01-05. Review status: criteria provided, single submitter. Criteria: Invitae Variant Classification Sherloc (09022015). Collection method: clinical testing. Allele origin: germline.

PreventionGenetics, part of Exact Sciences
Classification: Likely benign for JAK2-related condition. Last evaluated: 2025-02-16. Review status: criteria provided, single submitter. Criteria: ACMG Guidelines, 2015. Collection method: clinical testing. Allele origin: germline.
Comment: This variant is classified as likely benign based on ACMG/AMP sequence variant interpretation guidelines (Richards et al. 2015 PMID: 25741868, with internal and published modifications).

ARUP Laboratories, Molecular Genetics and Genomics, ARUP Laboratories
Classification: Likely benign. Last evaluated: 2025-01-17. Review status: criteria provided, single submitter. Criteria: ARUP Molecular Germline Variant Investigation Process 2024. Collection method: clinical testing. Allele origin: germline.

Blueprint Genetics
Classification: Likely benign. Last evaluated: 2024-10-02. Review status: criteria provided, single submitter. Criteria: ACMG Guidelines, 2015. Collection method: clinical testing. Allele origin: germline.

Genetic Services Laboratory, University of Chicago
Classification: Likely benign. Last evaluated: 2021-09-30. Review status: criteria provided, single submitter. Criteria: ACMG Guidelines, 2015. Collection method: clinical testing. Allele origin: germline. Affected: no.